The following is an entry in ClinVar:

NM_139125.4(MASP1):c.1931C>T (p.Thr644Met)

Gene: MASP1 (MBL associated serine protease 1; minus strand). Cytogenetic location: 3q27.3.
Variant type: single nucleotide variant.
Coding change: c.1931C>T on transcript NM_139125.4 (MANE Select); coding-DNA position 1931, C replaced by T.
Protein change: p.Thr644Met; replaces threonine 644 with methionine.
Molecular consequence: missense variant. On other transcripts: non-coding transcript variant (1), intron variant (1).
Genome position (GRCh38, 1-based): chr3:187,235,940, G>A on the plus strand (C>T on the coding strand, the complement: MASP1 is on the minus strand). VCF-style: chr3-187235940-G-A. GRCh37 (hg19) VCF-style: chr3-186953728-G-A.
Other names: c.1303+5541C>T (NM_001879.6); short protein forms T644M.
Identifiers: ClinVar variation 872663 (VCV000872663.48), dbSNP rs146714674, ClinGen allele CA2749139.

ClinVar aggregate classification (germline): Conflicting classifications of pathogenicity. Review status: criteria provided, conflicting classifications (1 of 4 stars). 4 submissions from 4 submitters: Pathogenic (1); Uncertain significance (3). Last evaluated 2025-12-15.

Conditions:
3MC syndrome 1. Also called: CRANIOSYNOSTOSIS WITH LID ANOMALIES; OCULOPALATOSKELETAL SYNDROME; MICHELS SYNDROME. Identifiers: Orphanet 293843, MedGen C0796059, MONDO:0009770, OMIM 257920.

Allele frequency attached by ClinVar (database versions not stated): ESP Exome Variant Server 0.00023; gnomAD exomes 0.00024 and 0.00033; TOPMed 0.00025; gnomAD 0.00027 and 0.00029; ExAC 0.00030.
gnomAD v4.1: 402 of 1,614,100 alleles (0.025%); highest among the groups gnomAD compares: Non-Finnish European, 0.027%; no homozygotes.

Submissions (4):

Labcorp Genetics (formerly Invitae), Labcorp
Classification: Uncertain significance for 3MC syndrome 1. Last evaluated: 2025-12-15. Review status: criteria provided, single submitter. Criteria: Invitae Variant Classification Sherloc (09022015). Collection method: clinical testing. Allele origin: germline.
Comment: This sequence change replaces threonine, which is neutral and polar, with methionine, which is neutral and non-polar, at codon 644 of the MASP1 protein (p.Thr644Met). This variant is present in population databases (rs146714674, gnomAD 0.2%). This missense change has been observed in individual(s) with clinical features of 3MC syndrome (PMID: 28534045). ClinVar contains an entry for this variant (Variation ID: 872663). An algorithm developed to predict the effect of missense changes on protein structure and function (PolyPhen-2) suggests that this variant is likely to be disruptive. In summary, the available evidence is currently insufficient to determine the role of this variant in disease. Therefore, it has been classified as a Variant of Uncertain Significance.

Blueprint Genetics
Classification: Uncertain significance. Last evaluated: 2024-10-25. Review status: criteria provided, single submitter. Criteria: ACMG Guidelines, 2015. Collection method: clinical testing. Allele origin: germline.

Department of Pathology and Laboratory Medicine, Sinai Health System
Classification: Uncertain significance for 3MC syndrome 1. Last evaluated: 2022-06-28. Review status: criteria provided, single submitter. Criteria: ACMG Guidelines, 2015. Collection method: research. Allele origin: germline.

CeGaT Center for Human Genetics Tuebingen
Classification: Pathogenic. Last evaluated: 2019-05-01. Review status: criteria provided, single submitter. Criteria: CeGaT Center For Human Genetics Tuebingen Variant Classification Criteria Version 2. Collection method: clinical testing. Allele origin: germline. Affected: yes. Observed: 1 variant allele.

Literature cited by the submitters: PubMed 28534045 (cited by Labcorp Genetics (formerly Invitae), Labcorp).